The following is an entry in ClinVar:

ClinVar aggregate classification (germline): Likely benign (0 of 4 stars; one submission).

Conditions:
IFT74-related disorder. Also called: IFT74-related condition; IFT74-Related Disorders.

Submission:

PreventionGenetics, part of Exact Sciences
Classification: Likely benign for IFT74-related condition. Last evaluated: 2021-08-11. Review status: no assertion criteria provided. Collection method: clinical testing. Allele origin: germline.
Comment: This variant is classified as likely benign based on ACMG/AMP sequence variant interpretation guidelines (Richards et al. 2015 PMID: 25741868, with internal and published modifications).

NM_025103.4(IFT74):c.1695C>G (p.Thr565=)

Gene: IFT74 (intraflagellar transport 74; plus strand). Cytogenetic location: 9p21.2.
Variant type: single nucleotide variant.
Coding change: c.1695C>G on transcript NM_025103.4 (MANE Select); coding-DNA position 1695, C replaced by G.
Protein change: p.Thr565=; no amino-acid change (threonine 565 retained).
Molecular consequence: synonymous variant. On other transcripts: 3 prime UTR variant (1).
Genome position (GRCh38, 1-based): chr9:27,062,628, C>G. VCF-style: chr9-27062628-C-G. GRCh37 (hg19) VCF-style: chr9-27062626-C-G.
Other names: c.1695C>G, p.Thr565= (NM_001099222.3, NM_001099223.3); c.*631C>G (NM_001349928.2).
Identifiers: ClinVar variation 3357141 (VCV003357141.1).
Genomic context (GRCh38, chr9:27,062,628, plus strand): 5'-ACAATTAGATTTTTATTGACATTGTTTTCCCCCTTAACTCATGTAATTAGTCATAGCAAC[C>G]AAGAGTCAAGAGAGTGATTACCAGCCAATTAAGAAAAATGTGACCAAGCAGATTGCAGAG-3'
Protein context (NP_079379.2, residues 555-575): NNFAMKEFIA[Thr565=]KSQESDYQPI